The following is an entry in ClinVar:

ClinVar aggregate classification (germline): Uncertain significance. Review status: criteria provided, multiple submitters, no conflicts (2 of 4 stars). 2 submissions from 2 submitters: Uncertain significance (2). Last evaluated 2025-04-13.

Conditions:
Short-rib thoracic dysplasia 6 with or without polydactyly (SRTD6). Also called: POLYDACTYLY WITH NEONATAL CHONDRODYSTROPHY, TYPE II; Majewski Syndrome; SHORT RIB-POLYDACTYLY SYNDROME, TYPE IIA; SHORT-RIB THORACIC DYSPLASIA 6 WITH POLYDACTYLY; SHORT-RIB THORACIC DYSPLASIA 6 WITHOUT POLYDACTYLY. Identifiers: MedGen C0024507, MONDO:0009894, OMIM 263520.

Allele frequency attached by ClinVar (database versions not stated): gnomAD exomes below 0.00001 and 0.00001; TOPMed below 0.00001; ExAC 0.00002.

Submissions (2):

Labcorp Genetics (formerly Invitae), Labcorp
Classification: Uncertain significance for Short-rib thoracic dysplasia 6 with or without polydactyly. Last evaluated: 2025-04-13. Review status: criteria provided, single submitter. Criteria: Invitae Variant Classification Sherloc (09022015). Collection method: clinical testing. Allele origin: germline.
Comment: This sequence change replaces proline, which is neutral and non-polar, with serine, which is neutral and polar, at codon 1022 of the NEK1 protein (p.Pro1022Ser). This variant is present in population databases (rs749326267, gnomAD 0.003%). This variant has not been reported in the literature in individuals affected with NEK1-related conditions. ClinVar contains an entry for this variant (Variation ID: 348096). Invitae Evidence Modeling of protein sequence and biophysical properties (such as structural, functional, and spatial information, amino acid conservation, physicochemical variation, residue mobility, and thermodynamic stability) has been performed for this missense variant. However, the output from this modeling did not meet the statistical confidence thresholds required to predict the impact of this variant on NEK1 protein function. In summary, the available evidence is currently insufficient to determine the role of this variant in disease. Therefore, it has been classified as a Variant of Uncertain Significance.

Illumina Laboratory Services, Illumina
Classification: Uncertain significance for Short-rib thoracic dysplasia 6 with or without polydactyly. Last evaluated: 2018-01-13. Review status: criteria provided, single submitter. Criteria: ICSL Variant Classification Criteria 13 December 2019. Collection method: clinical testing. Allele origin: germline.

NM_001199397.3(NEK1):c.3148C>T (p.Pro1050Ser)

Gene: NEK1 (NIMA related kinase 1; minus strand). Cytogenetic location: 4q33.
Variant type: single nucleotide variant.
Coding change: c.3148C>T on transcript NM_001199397.3 (MANE Select); coding-DNA position 3148, C replaced by T.
Protein change: p.Pro1050Ser; replaces proline 1050 with serine.
Molecular consequence: missense variant. On other transcripts: non-coding transcript variant (1).
Genome position (GRCh38, 1-based): chr4:169,424,627, G>A on the plus strand (C>T on the coding strand, the complement: NEK1 is on the minus strand). VCF-style: chr4-169424627-G-A. GRCh37 (hg19) VCF-style: chr4-170345778-G-A.
Other names: c.3016C>T, p.Pro1006Ser (NM_001199398.3); c.2857C>T, p.Pro953Ser (NM_001199399.3); c.2932C>T, p.Pro978Ser (NM_001199400.3); c.3148C>T, p.Pro1050Ser (NM_001374418.1); c.3064C>T, p.Pro1022Ser (NM_001374419.1, NM_012224.4); c.3013C>T, p.Pro1005Ser (NM_001374420.1); c.2665C>T, p.Pro889Ser (NM_001374421.1); short protein forms P1050S, P1022S, P978S, P1006S, P953S, P1005S, P889S.
Identifiers: ClinVar variation 348096 (VCV000348096.14), dbSNP rs749326267, ClinGen allele CA3137225.
Genomic context (GRCh38, chr4:169,424,627, plus strand): 5'-CATCAAACAGACCAGTTGAAAGTCCAATCAGCAAGGAATTCTTGTTTTTATTTTTTGGTG[G>A]TAAATGCGAGTGAGATCGAAATGCAAAGGATTCTTCTGGTGAACACTGAACTGATTGAAC-3'
Protein context (NP_001186326.1, residues 1040-1060): SFAFRSHSHL[Pro1050Ser]PKNKNKNSLL